The following is an entry in ClinVar:

ClinVar aggregate classification (germline): Uncertain significance (1 of 4 stars; one submission).

Conditions:
Primary ciliary dyskinesia. Also called: Ciliary dyskinesia. Identifiers: Orphanet 244, MedGen C0008780, MONDO:0016575, HP:0012265.

gnomAD v4.1: 9 of 1,605,916 alleles (0.00056%); highest among the groups gnomAD compares: African/African-American, 0.012%; no homozygotes.

Submission:

Labcorp Genetics (formerly Invitae), Labcorp
Classification: Uncertain significance for Primary ciliary dyskinesia. Last evaluated: 2025-04-01. Review status: criteria provided, single submitter. Criteria: Invitae Variant Classification Sherloc (09022015). Collection method: clinical testing. Allele origin: germline.
Comment: This sequence change falls in intron 82 of the DNAH8 gene. It does not directly change the encoded amino acid sequence of the DNAH8 protein. It affects a nucleotide within the consensus splice site. This variant is present in population databases (rs369709608, gnomAD 0.01%). This variant has not been reported in the literature in individuals affected with DNAH8-related conditions. Variants that disrupt the consensus splice site are a relatively common cause of aberrant splicing (PMID: 17576681, 9536098). Algorithms developed to predict the effect of sequence changes on RNA splicing suggest that this variant is not likely to affect RNA splicing. In summary, the available evidence is currently insufficient to determine the role of this variant in disease. Therefore, it has been classified as a Variant of Uncertain Significance.

Literature cited by the submitters: PubMed 17576681; PubMed 9536098.

NM_001206927.2(DNAH8):c.12451+6A>T

Genes: DNAH8 (dynein axonemal heavy chain 8; plus strand), DNAH8-AS1 (DNAH8 antisense RNA 1; minus strand). Cytogenetic location: 6p21.2.
Variant type: single nucleotide variant.
Coding change: c.12451+6A>T on transcript NM_001206927.2 (MANE Select); 6 bases into the intron after coding-DNA position 12451, A replaced by T.
Molecular consequence: intron variant.
Genome position (GRCh38, 1-based): chr6:38,951,526, A>T. VCF-style: chr6-38951526-A-T. GRCh37 (hg19) VCF-style: chr6-38919302-A-T.
Other names: c.11800+6A>T (NM_001371.4).
Identifiers: ClinVar variation 4777514 (VCV004777514.1).